The following is an entry in ClinVar:

ClinVar aggregate classification (germline): Uncertain significance. Review status: criteria provided, multiple submitters, no conflicts (2 of 4 stars). 2 submissions from 2 submitters: Uncertain significance (2). Last evaluated 2024-06-01.

Conditions:
Colorectal cancer. Also called: Colorectal cancer, somatic; Malignant Colorectal Neoplasm. Identifiers: MedGen C0346629, MONDO:0005575, OMIM 114500.

Allele frequency attached by ClinVar (database versions not stated): TOPMed 0.00002.
gnomAD v4.1: 9 of 1,614,160 alleles (0.00056%); highest among the groups gnomAD compares: Admixed American, 0.0083%; no homozygotes.

Submissions (2):

Fulgent Genetics
Classification: Uncertain significance for Colorectal cancer. Last evaluated: 2024-06-01. Review status: criteria provided, single submitter. Criteria: ACMG Guidelines, 2015. Collection method: clinical testing. Allele origin: germline.

Labcorp Genetics (formerly Invitae), Labcorp
Classification: Uncertain significance. Last evaluated: 2023-08-17. Review status: criteria provided, single submitter. Criteria: Invitae Variant Classification Sherloc (09022015). Collection method: clinical testing. Allele origin: germline.
Comment: This sequence change replaces alanine, which is neutral and non-polar, with valine, which is neutral and non-polar, at codon 1268 of the DLC1 protein (p.Ala1268Val). This variant is present in population databases (rs759392511, gnomAD 0.01%). This variant has not been reported in the literature in individuals affected with DLC1-related conditions. ClinVar contains an entry for this variant (Variation ID: 2172861). An algorithm developed to predict the effect of missense changes on protein structure and function (PolyPhen-2) suggests that this variant is likely to be disruptive. In summary, the available evidence is currently insufficient to determine the role of this variant in disease. Therefore, it has been classified as a Variant of Uncertain Significance.

NM_182643.3(DLC1):c.3803C>T (p.Ala1268Val)

Gene: DLC1 (DLC1 Rho GTPase activating protein; minus strand). Cytogenetic location: 8p22.
Variant type: single nucleotide variant.
Coding change: c.3803C>T on transcript NM_182643.3 (MANE Select); coding-DNA position 3803, C replaced by T.
Protein change: p.Ala1268Val; replaces alanine 1268 with valine.
Molecular consequence: missense variant.
Genome position (GRCh38, 1-based): chr8:13,091,370, G>A on the plus strand (C>T on the coding strand, the complement: DLC1 is on the minus strand). VCF-style: chr8-13091370-G-A. GRCh37 (hg19) VCF-style: chr8-12948879-G-A.
Other names: c.2270C>T, p.Ala757Val (NM_001164271.2, NM_001348082.2, NM_001348083.1 and 6 more transcripts); c.2594C>T, p.Ala865Val (NM_001316668.2, NM_001413129.1); c.3803C>T, p.Ala1268Val (NM_001348081.2, NM_001413124.1); c.2585C>T, p.Ala862Val (NM_001413130.1); c.2243C>T, p.Ala748Val (NM_001413131.1, NM_001413137.1); c.2729C>T, p.Ala910Val (NM_001413132.1); c.2492C>T, p.Ala831Val (NM_001413135.1, NM_001413136.1, NM_001413139.1 and 1 more transcripts); c.2627C>T, p.Ala876Val (NM_001413140.1); short protein forms A1268V, A748V, A831V, A865V, A876V, A862V, A910V, A757V.
Identifiers: ClinVar variation 2172861 (VCV002172861.5), dbSNP rs759392511, ClinGen allele CA4638164.